The following is an entry in ClinVar:

ClinVar aggregate classification (germline): Uncertain significance. Review status: criteria provided, multiple submitters, no conflicts (2 of 4 stars). 2 submissions from 2 submitters: Uncertain significance (2). Last evaluated 2025-07-29.

Conditions:
Von Hippel-Lindau syndrome (VHLS). Also called: Von Hippel-Lindau; von Hippel–Lindau syndrome; VHL syndrome. Identifiers: Orphanet 892, MedGen C0019562, MONDO:0008667, OMIM 193300. Disease mechanism: loss of function.
Chuvash polycythemia. Also called: POLYCYTHEMIA, VHL-DEPENDENT. Identifiers: Orphanet 238557, MedGen C1837915, MONDO:0009892, OMIM 263400.
Hereditary cancer-predisposing syndrome. Also called: Hereditary neoplastic syndrome; Tumor predisposition; Neoplastic Syndromes, Hereditary; Hereditary Cancer Syndrome. Identifiers: Orphanet 140162, MedGen C0027672, MeSH D009386, MONDO:0015356.

Submissions (2):

Ambry Genetics
Classification: Uncertain significance for Hereditary cancer-predisposing syndrome. Last evaluated: 2025-07-29. Review status: criteria provided, single submitter. Criteria: Ambry Variant Classification Scheme 2023. Collection method: clinical testing. Allele origin: germline.
Comment: The p.R4G variant (also known as c.10A>G), located in coding exon 1 of the VHL gene, results from an A to G substitution at nucleotide position 10. The arginine at codon 4 is replaced by glycine, an amino acid with dissimilar properties. This amino acid position is not well conserved in available vertebrate species. In addition, this alteration is predicted to be tolerated by in silico analysis. Based on the available evidence, the clinical significance of this variant remains unclear.

Labcorp Genetics (formerly Invitae), Labcorp
Classification: Uncertain significance for Von Hippel-Lindau syndrome; Chuvash polycythemia. Last evaluated: 2024-07-16. Review status: criteria provided, single submitter. Criteria: Invitae Variant Classification Sherloc (09022015). Collection method: clinical testing. Allele origin: germline.
Comment: This sequence change replaces arginine, which is basic and polar, with glycine, which is neutral and non-polar, at codon 4 of the VHL protein (p.Arg4Gly). This variant is not present in population databases (gnomAD no frequency). This variant has not been reported in the literature in individuals affected with VHL-related conditions. ClinVar contains an entry for this variant (Variation ID: 1475650). Advanced modeling of protein sequence and biophysical properties (such as structural, functional, and spatial information, amino acid conservation, physicochemical variation, residue mobility, and thermodynamic stability) has been performed at Invitae for this missense variant, however the output from this modeling did not meet the statistical confidence thresholds required to predict the impact of this variant on VHL protein function. In summary, the available evidence is currently insufficient to determine the role of this variant in disease. Therefore, it has been classified as a Variant of Uncertain Significance.

NM_000551.4(VHL):c.10A>G (p.Arg4Gly)

Gene: VHL (von Hippel-Lindau tumor suppressor; plus strand). Cytogenetic location: 3p25.3.
Variant type: single nucleotide variant.
Coding change: c.10A>G on transcript NM_000551.4 (MANE Select); coding-DNA position 10, A replaced by G.
Protein change: p.Arg4Gly; replaces arginine 4 with glycine.
Molecular consequence: missense variant.
Genome position (GRCh38, 1-based): chr3:10,141,857, A>G. VCF-style: chr3-10141857-A-G. GRCh37 (hg19) VCF-style: chr3-10183541-A-G.
Other names: c.10A>G (NM_000551.3); c.10A>G, p.Arg4Gly (NM_001354723.2, NM_198156.3); short protein forms R4G.
Identifiers: ClinVar variation 1475650 (VCV001475650.7), dbSNP rs886057702, ClinGen allele CA351747021.